The following is an entry in ClinVar:

ClinVar aggregate classification (germline): Likely benign. Review status: criteria provided, multiple submitters, no conflicts (2 of 4 stars). 3 submissions from 3 submitters: Likely benign (3). Last evaluated 2026-07-01.

Conditions:
Ullrich congenital muscular dystrophy 2 (UCMD2). Identifiers: Orphanet 75840, MedGen C4225314, MONDO:0014654, OMIM 616470.
Bethlem myopathy 2 (BTHLM2). Identifiers: Orphanet 536516, Orphanet 610, MedGen C4225313, MONDO:0034022, OMIM 616471.

Allele frequency attached by ClinVar (database versions not stated): gnomAD 0.00004 and 0.00005; 1000 Genomes Project 0.00020; 1000 Genomes Project 30x 0.00031.
gnomAD v4.1: 13 of 1,612,964 alleles (0.00081%); highest among the groups gnomAD compares: Admixed American, 0.012%; no homozygotes.

Submissions (3):

CeGaT Center for Human Genetics Tuebingen
Classification: Likely benign. Last evaluated: 2026-07-01. Review status: criteria provided, single submitter. Criteria: CeGaT Center For Human Genetics Tuebingen Variant Classification Criteria Version 2. Collection method: clinical testing. Allele origin: germline. Affected: yes. Observed: 1 variant allele.
Comment: COL12A1: BP4, BP7

Labcorp Genetics (formerly Invitae), Labcorp
Classification: Likely benign for Bethlem myopathy 2; Ullrich congenital muscular dystrophy 2. Last evaluated: 2025-09-01. Review status: criteria provided, single submitter. Criteria: Invitae Variant Classification Sherloc (09022015). Collection method: clinical testing. Allele origin: germline.

Women's Health and Genetics/Laboratory Corporation of America, LabCorp
Classification: Likely benign. Last evaluated: 2025-06-30. Review status: criteria provided, single submitter. Criteria: LabCorp Variant Classification Summary - May 2015. Collection method: clinical testing. Allele origin: germline.

NM_004370.6(COL12A1):c.633A>G (p.Pro211=)

Gene: COL12A1 (collagen type XII alpha 1 chain; minus strand). Cytogenetic location: 6q13.
Variant type: single nucleotide variant.
Coding change: c.633A>G on transcript NM_004370.6 (MANE Select); coding-DNA position 633, A replaced by G.
Protein change: p.Pro211=; no amino-acid change (proline 211 retained).
Molecular consequence: synonymous variant. On other transcripts: intron variant (1).
Genome position (GRCh38, 1-based): chr6:75,189,577, T>C on the plus strand (A>G on the coding strand, the complement: COL12A1 is on the minus strand). VCF-style: chr6-75189577-T-C. GRCh37 (hg19) VCF-style: chr6-75899293-T-C.
Other names: c.73+13143A>G (NM_080645.3).
Identifiers: ClinVar variation 1096628 (VCV001096628.11), dbSNP rs541648868, ClinGen allele CA3894387.